The following is an entry in ClinVar:

ClinVar aggregate classification (germline): Conflicting classifications of pathogenicity. Review status: criteria provided, conflicting classifications (1 of 4 stars). 2 submissions from 2 submitters: Pathogenic (1); Uncertain significance (1). Last evaluated 2026-01-08.

Conditions:
Hereditary cancer-predisposing syndrome. Also called: Neoplastic Syndromes, Hereditary; Tumor predisposition; Hereditary Cancer Syndrome; Hereditary neoplastic syndrome. Identifiers: Orphanet 140162, MedGen C0027672, MeSH D009386, MONDO:0015356.

Submissions (2):

Ambry Genetics
Classification: Uncertain significance for Hereditary cancer-predisposing syndrome. Last evaluated: 2026-01-08. Review status: criteria provided, single submitter. Criteria: Ambry Variant Classification Scheme 2023. Collection method: clinical testing. Allele origin: germline.
Comment: The c.6518delC variant, located in coding exon 46 of the POLE gene, results from a deletion of one nucleotide at nucleotide position 6518, causing a translational frameshift with a predicted alternate stop codon (p.S2173Ffs*29). This alteration is expected to result in loss of function by premature protein truncation or nonsense-mediated mRNA decay. Although biallelic loss of function of POLE has been associated with autosomal recessive POLE deficiency, haploinsufficiency of POLE has not been established as a mechanism of disease for POLE-related polymerase proofreading-associated polyposis (PPAP) and POLE-related CMMRD-like syndrome. Based on the supporting evidence, this variant is expected to be causative of POLE deficiency when present along with a second pathogenic variant on the other allele; however, its clinical significance for PPAP and POLE-related CMMRD-like syndrome is unclear.

Labcorp Genetics (formerly Invitae), Labcorp
Classification: Pathogenic. Last evaluated: 2023-08-18. Review status: criteria provided, single submitter. Criteria: Invitae Variant Classification Sherloc (09022015). Collection method: clinical testing. Allele origin: germline.
Comment: This sequence change creates a premature translational stop signal (p.Ser2173Phefs*29) in the POLE gene. It is expected to result in an absent or disrupted protein product. Loss-of-function variants in POLE are known to be pathogenic (PMID: 23230001, 25948378, 30503519). This variant is not present in population databases (gnomAD no frequency). This premature translational stop signal has been observed in individual(s) with autosomal recessive IMAGE syndrome (PMID: 30503519). ClinVar contains an entry for this variant (Variation ID: 1489547). For these reasons, this variant has been classified as Pathogenic.

Literature cited by the submitters: PubMed 23230001 (cited by Labcorp Genetics (formerly Invitae), Labcorp); PubMed 25948378 (cited by Labcorp Genetics (formerly Invitae), Labcorp); PubMed 30503519 (cited by Labcorp Genetics (formerly Invitae), Labcorp).

NM_006231.4(POLE):c.6518del (p.Ser2173fs)

Gene: POLE (DNA polymerase epsilon, catalytic subunit; minus strand). Cytogenetic location: 12q24.33.
Variant type: Deletion.
Coding change: c.6518del on transcript NM_006231.4 (MANE Select); coding-DNA position 6518, one base deleted (C; older notation c.6518delC).
Protein change: p.Ser2173fs; shifts the reading frame from serine 2173.
Molecular consequence: frameshift variant.
Genome position (GRCh38, 1-based): chr12:132,626,130, G deleted on the plus strand (C on the coding strand, the reverse complement: POLE is on the minus strand). VCF-style (leftmost placement, unchanged base first): chr12-132626129-AG-A. GRCh37 (hg19) VCF-style: chr12-133202715-AG-A.
Other names: c.6518delC (NM_006231.2); short protein forms S2173fs.
Identifiers: ClinVar variation 1489547 (VCV001489547.7), dbSNP rs2138430436, ClinGen allele CA2573148103.
Genomic context (GRCh38, chr12:132,626,129, plus strand): 5'-TCGGATGTTCTGCTCCACAGTGAAGGGCCCGCTGGAGCTCAGCCGCACCTCTGAGAAGGA[AG>A]AGTCTTTACACAGGTCCAGGTCGCGGCAGAAGTTACAGCTGCGGCAGATGACCTCAGGAA-3'